The following is an entry in ClinVar:

NM_006397.3(RNASEH2A):c.87C>A (p.Cys29Ter)

Genes: RNASEH2A (ribonuclease H2 subunit A; plus strand), LOC117038795 (CRISPRi-FlowFISH-validated PRDX2 regulatory element 4; plus strand). Cytogenetic location: 19p13.13.
Variant type: single nucleotide variant.
Coding change: c.87C>A on transcript NM_006397.3 (MANE Select); coding-DNA position 87, C replaced by A.
Protein change: p.Cys29Ter; replaces cysteine 29 with a stop codon.
Molecular consequence: nonsense.
Genome position (GRCh38, 1-based): chr19:12,806,760, C>A. VCF-style: chr19-12806760-C-A. GRCh37 (hg19) VCF-style: chr19-12917574-C-A.
Other names: short protein forms C29*.
Identifiers: ClinVar variation 2878648 (VCV002878648.4), dbSNP rs2512889135, ClinGen allele CA404263397.

ClinVar aggregate classification (germline): Pathogenic (1 of 4 stars; one submission).

Conditions:
Aicardi-Goutieres syndrome 4. Identifiers: Orphanet 51, MedGen C1835912, MONDO:0012472, OMIM 610333.

gnomAD v4.1: 1 of 1,575,016 alleles (0.000063%); highest among the groups gnomAD compares: Non-Finnish European, 0.000086%; no homozygotes.

Submission:

Labcorp Genetics (formerly Invitae), Labcorp
Classification: Pathogenic for Aicardi-Goutieres syndrome 4. Last evaluated: 2023-07-28. Review status: criteria provided, single submitter. Criteria: Invitae Variant Classification Sherloc (09022015). Collection method: clinical testing. Allele origin: germline.
Comment: For these reasons, this variant has been classified as Pathogenic. This variant has not been reported in the literature in individuals affected with RNASEH2A-related conditions. This sequence change creates a premature translational stop signal (p.Cys29*) in the RNASEH2A gene. It is expected to result in an absent or disrupted protein product. Loss-of-function variants in RNASEH2A are known to be pathogenic (PMID: 21454563, 25274781). This variant is not present in population databases (gnomAD no frequency).

Literature cited by the submitters: PubMed 21454563; PubMed 25274781.